The following is an entry in ClinVar:

ClinVar aggregate classification (germline): Likely benign. Review status: criteria provided, multiple submitters, no conflicts (2 of 4 stars). 3 submissions from 3 submitters: Likely benign (3). Last evaluated 2026-02-02.

Conditions:
Autosomal recessive limb-girdle muscular dystrophy type 2K. Also called: MUSCULAR DYSTROPHY, LIMB-GIRDLE, TYPE 2K; MUSCULAR DYSTROPHY-DYSTROGLYCANOPATHY (LIMB-GIRDLE), TYPE C, 1. Identifiers: Orphanet 86812, MedGen C1836373, MONDO:0012248, OMIM 609308.
Walker-Warburg congenital muscular dystrophy. Also called: Muscular dystrophy-dystroglycanopathy, type A; Walker-Warburg syndrome. Identifiers: Orphanet 899, MedGen C0265221, MONDO:0000171.
Muscular dystrophy-dystroglycanopathy (congenital with impaired intellectual development), type B, 1. Also called: Muscular dystrophy-dystroglycanopathy (congenital with intellectual disability), type B1; MUSCULAR DYSTROPHY, CONGENITAL, POMT1-RELATED. Identifiers: MedGen C5436962, MONDO:0013159, OMIM 613155.

Submissions (3):

Labcorp Genetics (formerly Invitae), Labcorp
Classification: Likely benign for Muscular dystrophy-dystroglycanopathy (congenital with impaired intellectual development), type B, 1; Walker-Warburg congenital muscular dystrophy; Autosomal recessive limb-girdle muscular dystrophy type 2K. Last evaluated: 2026-02-02. Review status: criteria provided, single submitter. Criteria: Invitae Variant Classification Sherloc (09022015). Collection method: clinical testing. Allele origin: germline.

Mayo Clinic Laboratories, Mayo Clinic
Classification: Likely benign. Last evaluated: 2024-03-18. Review status: criteria provided, single submitter. Criteria: ACMG Guidelines, 2015. Collection method: clinical testing. Allele origin: germline. Observed: 7 variant alleles.
Comment: BS1

GeneDx
Classification: Likely benign. Last evaluated: 2015-06-11. Review status: criteria provided, single submitter. Criteria: GeneDx Variant Classification (06012015). Collection method: clinical testing. Allele origin: germline. Affected: yes.
Comment: This variant is considered likely benign or benign based on one or more of the following criteria: it is a conservative change, it occurs at a poorly conserved position in the protein, it is predicted to be benign by multiple in silico algorithms, and/or has population frequency not consistent with disease.

NM_001077365.2(POMT1):c.1826-7_1826-6delinsAA

Gene: POMT1 (protein O-mannosyltransferase 1; plus strand). Cytogenetic location: 9q34.13.
Variant type: Indel.
Coding change: c.1826-7_1826-6delinsAA on transcript NM_001077365.2 (MANE Select); 7 bases into the intron before coding-DNA position 1826 through 6 bases into the intron before coding-DNA position 1826, CC replaced by AA.
Molecular consequence: intron variant.
Genome position (GRCh38, 1-based): chr9:131,522,040-131,522,041, CC replaced by AA. VCF-style: chr9-131522040-CC-AA. GRCh37 (hg19) VCF-style: chr9-134397427-CC-AA.
Other names: p.?; c.1892-7_1892-6delCCinsAA (NM_007171.3); c.1730-7_1730-6delinsAA (NM_001353198.2, NM_001353197.2); c.1892-7_1892-6delinsAA (NM_001353193.2, NM_007171.4); c.1826-7_1826-6delinsAA (NM_001136113.2); c.1664-7_1664-6delinsAA (NM_001353194.2, NM_001077366.2); c.1475-7_1475-6delinsAA (NM_001374691.1, NM_001353195.2, NM_001374692.1 and 2 more transcripts); c.1607-7_1607-6delinsAA (NM_001374690.1); and 5 more.
Identifiers: ClinVar variation 419235 (VCV000419235.12), dbSNP rs1064793740, ClinGen allele CA16618764.